The following is an entry in ClinVar:

NC_000001.10:g.(?_169454781)_(169455004_?)del

Gene: SLC19A2 (solute carrier family 19 member 2; minus strand). Cytogenetic location: 1q24.2.
Variant type: Deletion.
Identifiers: ClinVar variation 2425679 (VCV002425679.4).

ClinVar aggregate classification (germline): Pathogenic (1 of 4 stars; one submission).

Submission:

Labcorp Genetics (formerly Invitae), Labcorp
Classification: Pathogenic. Last evaluated: 2022-07-06. Review status: criteria provided, single submitter. Criteria: Invitae Variant Classification Sherloc (09022015). Collection method: clinical testing. Allele origin: germline.
Comment: For these reasons, this variant has been classified as Pathogenic. This variant has not been reported in the literature in individuals affected with SLC19A2-related conditions. This variant is a gross deletion of the genomic region encompassing exon(s) 1 of the SLC19A2 gene, which includes the initiator codon. This deletion extends beyond the assayed region for this gene and therefore may encompass additional genes. It is expected to result in an absent or disrupted protein product. Loss-of-function variants in SLC19A2 are known to be pathogenic (PMID: 10391221, 10391223, 10874303).

Literature cited by the submitters: PubMed 10391221; PubMed 10391223; PubMed 10874303.